The following is an entry in ClinVar:

NM_000350.3(ABCA4):c.67-1G>C

Gene: ABCA4 (ATP binding cassette subfamily A member 4; minus strand). Cytogenetic location: 1p22.1.
Variant type: single nucleotide variant.
Coding change: c.67-1G>C on transcript NM_000350.3 (MANE Select); the canonical splice acceptor site of the intron before coding-DNA position 67, G replaced by C.
Molecular consequence: splice acceptor variant.
Genome position (GRCh38, 1-based): chr1:94,113,067, C>G on the plus strand (G>C on the coding strand, the complement: ABCA4 is on the minus strand). VCF-style: chr1-94113067-C-G. GRCh37 (hg19) VCF-style: chr1-94578623-C-G.
Identifiers: ClinVar variation 236069 (VCV000236069.46), dbSNP rs778908435, ClinGen allele CA10602459.
Genomic context (GRCh38, chr1:94,113,067, plus strand): 5'-TAACCAGATCAAGACCAGAAATAAAGATAAAGGCCACACGAGTTCCACCACAAAGCGAAT[C>G]TGGAAAAACAAAACAAAAAGAGAGAAAGTTCAGTGGTGCTAAGAGATTATAGAAAACGTA-3'

ClinVar aggregate classification (germline): Pathogenic. Review status: criteria provided, multiple submitters, no conflicts (2 of 4 stars). 4 submissions from 3 submitters: Pathogenic (4). Last evaluated 2025-11-10.

Conditions:
Retinal dystrophy. Also called: Inherited retinal dystrophy. Identifiers: Orphanet 71862, MedGen C0854723, MeSH D058499, MONDO:0019118, HP:0000556.
Severe early-childhood-onset retinal dystrophy (STGD1). Also called: MACULAR DYSTROPHY WITH FLECKS, TYPE 1; Stargardt macular dystrophy; Juvenile onset macular degeneration; Stargardt disease 1; STGD. Identifiers: Orphanet 364055, Orphanet 827, MedGen C1855465, MeSH D000080362, MONDO:0009549, OMIM 248200.

gnomAD v4.1: 1 of 1,613,944 alleles (0.000062%); highest among the groups gnomAD compares: Non-Finnish European, 0.000085%; no homozygotes.

Submissions (4):

Labcorp Genetics (formerly Invitae), Labcorp
Classification: Pathogenic. Last evaluated: 2025-11-10. Review status: criteria provided, single submitter. Criteria: Invitae Variant Classification Sherloc (09022015). Collection method: clinical testing. Allele origin: germline.
Comment: This sequence change affects an acceptor splice site in intron 1 of the ABCA4 gene. It is expected to disrupt RNA splicing. Variants that disrupt the donor or acceptor splice site typically lead to a loss of protein function (PMID: 16199547), and loss-of-function variants in ABCA4 are known to be pathogenic (PMID: 10958761, 24938718, 25312043, 26780318). This variant is not present in population databases (gnomAD no frequency). Disruption of this splice site has been observed in individual(s) with Stargardt disease (PMID: 28118664, 29925512). ClinVar contains an entry for this variant (Variation ID: 236069). Studies have shown that disruption of this splice site alters mRNA splicing and is expected to lead to the loss of protein expression (PMID: 28118664). For these reasons, this variant has been classified as Pathogenic.

CeGaT Center for Human Genetics Tuebingen
Classification: Pathogenic. Last evaluated: 2019-07-01. Review status: criteria provided, single submitter. Criteria: CeGaT Center For Human Genetics Tuebingen Variant Classification Criteria Version 2. Collection method: clinical testing. Allele origin: germline. Affected: yes. Observed: 2 variant alleles.

Institute of Human Genetics, Univ. Regensburg, Univ. Regensburg
Classification: Pathogenic for Retinal dystrophy. Last evaluated: 2019-01-01. Review status: criteria provided, single submitter. Criteria: ACMG Guidelines, 2015. Collection method: clinical testing. Allele origin: germline. Affected: yes.

Institute of Human Genetics, Univ. Regensburg, Univ. Regensburg
Classification: Pathogenic for Severe early-childhood-onset retinal dystrophy. Last evaluated: 2016-01-01. Review status: criteria provided, single submitter. Criteria: Schulz et al. (Invest Ophthalmol Vis Sci. 2017). Collection method: clinical testing, in vitro. Allele origin: germline, unknown. Affected: yes. Observed: 1 homozygote. Functional consequence: sequence_variant_affecting_splicing.

Literature cited by the submitters: PubMed 16199547 (cited by Labcorp Genetics (formerly Invitae), Labcorp); PubMed 10958761 (cited by Labcorp Genetics (formerly Invitae), Labcorp); PubMed 24938718 (cited by Labcorp Genetics (formerly Invitae), Labcorp); PubMed 25312043 (cited by Labcorp Genetics (formerly Invitae), Labcorp); PubMed 26780318 (cited by Labcorp Genetics (formerly Invitae), Labcorp); PubMed 28118664 (cited by Labcorp Genetics (formerly Invitae), Labcorp and Institute of Human Genetics, Univ. Regensburg, Univ. Regensburg); PubMed 29925512 (cited by Labcorp Genetics (formerly Invitae), Labcorp and Institute of Human Genetics, Univ. Regensburg, Univ. Regensburg); PubMed 28559085 (cited by Institute of Human Genetics, Univ. Regensburg, Univ. Regensburg); PubMed 31589614 (cited by Institute of Human Genetics, Univ. Regensburg, Univ. Regensburg).